The following is an entry in ClinVar:

ClinVar aggregate classification (germline): Uncertain significance (1 of 4 stars; one submission).

Conditions:
Dilated cardiomyopathy 1JJ (CMD1JJ). Identifiers: Orphanet 154, MedGen C3808935, MONDO:0014095, OMIM 615235.

Submission:

Labcorp Genetics (formerly Invitae), Labcorp
Classification: Uncertain significance for Dilated cardiomyopathy 1JJ. Last evaluated: 2022-01-11. Review status: criteria provided, single submitter. Criteria: Invitae Variant Classification Sherloc (09022015). Collection method: clinical testing. Allele origin: germline.
Comment: In summary, the available evidence is currently insufficient to determine the role of this variant in disease. Therefore, it has been classified as a Variant of Uncertain Significance. Variants that disrupt the consensus splice site are a relatively common cause of aberrant splicing (PMID: 17576681, 9536098). Algorithms developed to predict the effect of sequence changes on RNA splicing suggest that this variant is not likely to affect RNA splicing. This variant has not been reported in the literature in individuals affected with LAMA4-related conditions. This variant is not present in population databases (gnomAD no frequency). This sequence change falls in intron 2 of the LAMA4 gene. It does not directly change the encoded amino acid sequence of the LAMA4 protein. It affects a nucleotide within the consensus splice site.

Literature cited by the submitters: PubMed 17576681; PubMed 9536098.

NM_001105206.3(LAMA4):c.195+4C>T

Genes: LAMA4-AS1 (LAMA4 antisense RNA 1; plus strand), LAMA4 (laminin subunit alpha 4; minus strand). Cytogenetic location: 6q21.
Variant type: single nucleotide variant.
Coding change: c.195+4C>T on transcript NM_001105206.3 (MANE Select); 4 bases into the intron after coding-DNA position 195, C replaced by T.
Molecular consequence: intron variant. On other transcripts: nonsense (2).
Genome position (GRCh38, 1-based): chr6:112,253,952, G>A on the plus strand (C>T on the coding strand, the complement: LAMA4 is on the minus strand). VCF-style: chr6-112253952-G-A. GRCh37 (hg19) VCF-style: chr6-112575154-G-A.
Other names: c.199C>T, p.Gln67Ter (NM_001105208.3, NM_001105209.3); c.195+4C>T (NM_002290.5, NM_001105207.3); short protein forms Q67*.
Identifiers: ClinVar variation 2078604 (VCV002078604.4), dbSNP rs2482134758, ClinGen allele CA365518642.